The following is an entry in ClinVar:

NM_014141.6(CNTNAP2):c.2903C>T (p.Thr968Ile)

Genes: CNTNAP2 (contactin associated protein 2; plus strand), LOC126860216 (BRD4-independent group 4 enhancer GRCh37_chr7:147868766-147869965; plus strand). Cytogenetic location: 7q35.
Variant type: single nucleotide variant.
Coding change: c.2903C>T on transcript NM_014141.6 (MANE Select); coding-DNA position 2903, C replaced by T.
Protein change: p.Thr968Ile; replaces threonine 968 with isoleucine.
Molecular consequence: missense variant.
Genome position (GRCh38, 1-based): chr7:148,172,371, C>T. VCF-style: chr7-148172371-C-T. GRCh37 (hg19) VCF-style: chr7-147869463-C-T.
Other names: short protein forms T968I.
Identifiers: ClinVar variation 909391 (VCV000909391.18), dbSNP rs1255422619, ClinGen allele CA369928573.

ClinVar aggregate classification (germline): Uncertain significance. Review status: criteria provided, multiple submitters, no conflicts (2 of 4 stars). 2 submissions from 2 submitters: Uncertain significance (2). Last evaluated 2021-12-31.

Conditions:
Cortical dysplasia-focal epilepsy syndrome (PTHSL1). Also called: Pitt-Hopkins-like syndrome 1. Identifiers: Orphanet 163681, Orphanet 221150, MedGen C2750246, MONDO:0012400, OMIM 610042.

Allele frequency attached by ClinVar (database versions not stated): TOPMed below 0.00001; gnomAD 0.00001; gnomAD exomes 0.00001.
gnomAD v4.1: 16 of 1,613,958 alleles (0.00099%); highest among the groups gnomAD compares: Admixed American, 0.0033%; no homozygotes.

Submissions (2):

Labcorp Genetics (formerly Invitae), Labcorp
Classification: Uncertain significance for Cortical dysplasia-focal epilepsy syndrome. Last evaluated: 2021-12-31. Review status: criteria provided, single submitter. Criteria: Invitae Variant Classification Sherloc (09022015). Collection method: clinical testing. Allele origin: germline.
Comment: In summary, the available evidence is currently insufficient to determine the role of this variant in disease. Therefore, it has been classified as a Variant of Uncertain Significance. Algorithms developed to predict the effect of missense changes on protein structure and function are either unavailable or do not agree on the potential impact of this missense change (SIFT: "Deleterious"; PolyPhen-2: "Benign"; Align-GVGD: "Class C15"). ClinVar contains an entry for this variant (Variation ID: 909391). This variant has not been reported in the literature in individuals affected with CNTNAP2-related conditions. This variant is present in population databases (no rsID available, gnomAD 0.003%). This sequence change replaces threonine, which is neutral and polar, with isoleucine, which is neutral and non-polar, at codon 968 of the CNTNAP2 protein (p.Thr968Ile).

Illumina Laboratory Services, Illumina
Classification: Uncertain significance for Cortical dysplasia-focal epilepsy syndrome. Last evaluated: 2017-04-27. Review status: criteria provided, single submitter. Criteria: ICSL Variant Classification Criteria 13 December 2019. Collection method: clinical testing. Allele origin: germline.